The following is an entry in ClinVar:

NM_003738.5(PTCH2):c.2904C>T (p.Val968=)

Gene: PTCH2 (patched 2; minus strand). Cytogenetic location: 1p34.1.
Variant type: single nucleotide variant.
Coding change: c.2904C>T on transcript NM_003738.5 (MANE Select); coding-DNA position 2904, C replaced by T.
Protein change: p.Val968=; no amino-acid change (valine 968 retained).
Molecular consequence: synonymous variant.
Genome position (GRCh38, 1-based): chr1:44,826,560, G>A on the plus strand (C>T on the coding strand, the complement: PTCH2 is on the minus strand). VCF-style: chr1-44826560-G-A. GRCh37 (hg19) VCF-style: chr1-45292232-G-A.
Other names: c.2904C>T, p.Val968= (NM_001166292.2); c.2904C>T (NM_003738.4).
Identifiers: ClinVar variation 1151338 (VCV001151338.11), dbSNP rs138668059, ClinGen allele CA822861.

ClinVar aggregate classification (germline): Likely benign. Review status: criteria provided, single submitter (1 of 4 stars). 2 submissions from 2 submitters: Likely benign (1). 1 of the submissions does not count toward it. Last evaluated 2026-01-04.

Conditions:
Gorlin syndrome. Also called: Nevoid Basal Cell Carcinoma Syndrome; Basal cell nevus syndrome. Identifiers: Orphanet 377, MedGen C0004779, MONDO:0007187.
PTCH2-related disorder. Also called: PTCH2-related condition; PTCH2-related disease.

Allele frequency attached by ClinVar (database versions not stated): ExAC 0.00009; gnomAD exomes 0.00011 and 0.00033; gnomAD 0.00016 and 0.00017; TOPMed 0.00018; ESP Exome Variant Server 0.00023.

Submissions (2):

Labcorp Genetics (formerly Invitae), Labcorp
Classification: Likely benign for Gorlin syndrome. Last evaluated: 2026-01-04. Review status: criteria provided, single submitter. Criteria: Invitae Variant Classification Sherloc (09022015). Collection method: clinical testing. Allele origin: germline.

PreventionGenetics, part of Exact Sciences
Classification: Likely benign for PTCH2-related condition. Last evaluated: 2022-02-22. Review status: no assertion criteria provided. Collection method: clinical testing. Allele origin: germline. Not counted in ClinVar's aggregate classification.
Comment: This variant is classified as likely benign based on ACMG/AMP sequence variant interpretation guidelines (Richards et al. 2015 PMID: 25741868, with internal and published modifications).